The following is an entry in ClinVar:

ClinVar aggregate classification (germline): Uncertain significance. Review status: criteria provided, multiple submitters, no conflicts (2 of 4 stars). 3 submissions from 3 submitters: Uncertain significance (3). Last evaluated 2026-06-08.

Conditions:
CNGA3-related disorder. Also called: CNGA3-related condition.
Inborn genetic diseases. Identifiers: MedGen C0950123, MeSH D030342.

Allele frequency attached by ClinVar (database versions not stated): gnomAD exomes below 0.00001; gnomAD 0.00001; TOPMed 0.00002.
gnomAD v4.1: 5 of 1,613,802 alleles (0.00031%); highest among the groups gnomAD compares: Admixed American, 0.0033%; no homozygotes.

Submissions (3):

PreventionGenetics, part of Exact Sciences
Classification: Uncertain significance for CNGA3-related condition. Last evaluated: 2026-06-08. Review status: criteria provided, single submitter. Criteria: ACMG Guidelines, 2015. Collection method: clinical testing. Allele origin: germline.
Comment: The CNGA3 c.2059A>G variant is predicted to result in the amino acid substitution p.Thr687Ala. To our knowledge, this variant has not been reported in the literature. This variant is reported in 0.0041% of alleles in individuals of African descent in gnomAD. At this time, the clinical significance of this variant is uncertain due to the absence of conclusive functional and genetic evidence.

Ambry Genetics
Classification: Uncertain significance for Inborn genetic diseases. Last evaluated: 2025-12-08. Review status: criteria provided, single submitter. Criteria: Ambry Variant Classification Scheme 2023. Collection method: clinical testing. Allele origin: germline.

Labcorp Genetics (formerly Invitae), Labcorp
Classification: Uncertain significance. Last evaluated: 2023-11-27. Review status: criteria provided, single submitter. Criteria: Invitae Variant Classification Sherloc (09022015). Collection method: clinical testing. Allele origin: germline.
Comment: This sequence change replaces threonine, which is neutral and polar, with alanine, which is neutral and non-polar, at codon 687 of the CNGA3 protein (p.Thr687Ala). The frequency data for this variant in the population databases is considered unreliable, as metrics indicate poor data quality at this position in the gnomAD database. This variant has not been reported in the literature in individuals affected with CNGA3-related conditions. ClinVar contains an entry for this variant (Variation ID: 961424). Advanced modeling of protein sequence and biophysical properties (such as structural, functional, and spatial information, amino acid conservation, physicochemical variation, residue mobility, and thermodynamic stability) performed at Invitae indicates that this missense variant is not expected to disrupt CNGA3 protein function with a negative predictive value of 95%. In summary, the available evidence is currently insufficient to determine the role of this variant in disease. Therefore, it has been classified as a Variant of Uncertain Significance.

NM_001298.3(CNGA3):c.2059A>G (p.Thr687Ala)

Gene: CNGA3 (cyclic nucleotide gated channel subunit alpha 3; plus strand). Cytogenetic location: 2q11.2.
Variant type: single nucleotide variant.
Coding change: c.2059A>G on transcript NM_001298.3 (MANE Select); coding-DNA position 2059, A replaced by G.
Protein change: p.Thr687Ala; replaces threonine 687 with alanine.
Molecular consequence: missense variant.
Genome position (GRCh38, 1-based): chr2:98,397,229, A>G. VCF-style: chr2-98397229-A-G. GRCh37 (hg19) VCF-style: chr2-99013692-A-G.
Other names: c.2005A>G, p.Thr669Ala (NM_001079878.2); short protein forms T687A, T669A.
Identifiers: ClinVar variation 961424 (VCV000961424.12), dbSNP rs998041981, ClinGen allele CA52636159.
Genomic context (GRCh38, chr2:98,397,229, plus strand): 5'-AGCCAGGTGAAGGGTGGTGGGGACAAGCCCCTGGCTGATGGGGAAGTTCCCGGGGATGCT[A>G]CAAAAACAGAGGACAAACAACAGTGAAAATGCAGCATCTGTCTCCTGCTTCACAGGGTCG-3'
Protein context (NP_001289.1, residues 677-694): LADGEVPGDA[Thr687Ala]KTEDKQQ